The following is an entry in ClinVar:

ClinVar aggregate classification (germline): Uncertain significance (1 of 4 stars; one submission).

Allele frequency attached by ClinVar (database versions not stated): gnomAD 0.00003; TOPMed 0.00004.

Submission:

GeneDx
Classification: Uncertain significance. Last evaluated: 2022-11-17. Review status: criteria provided, single submitter. Criteria: GeneDx Variant Classification Process June 2021. Collection method: clinical testing. Allele origin: germline. Affected: yes.
Comment: Not observed at significant frequency in large population cohorts (gnomAD); In silico analysis supports that this missense variant does not alter protein structure/function; Has not been previously published as pathogenic or benign to our knowledge

NM_015340.4(LARS2):c.2521A>G (p.Met841Val)

Gene: LARS2 (leucyl-tRNA synthetase 2, mitochondrial; plus strand). Cytogenetic location: 3p21.31.
Variant type: single nucleotide variant.
Coding change: c.2521A>G on transcript NM_015340.4 (MANE Select); coding-DNA position 2521, A replaced by G.
Protein change: p.Met841Val; replaces methionine 841 with valine.
Molecular consequence: missense variant.
Genome position (GRCh38, 1-based): chr3:45,541,945, A>G. VCF-style: chr3-45541945-A-G. GRCh37 (hg19) VCF-style: chr3-45583437-A-G.
Other names: c.2521A>G, p.Met841Val (NM_001368263.1); short protein forms M841V.
Identifiers: ClinVar variation 1800791 (VCV001800791.1), dbSNP rs765956211, ClinGen allele CA73597857.